The following is an entry in ClinVar:

NM_001277115.2(DNAH11):c.10027-2A>G

Gene: DNAH11 (dynein axonemal heavy chain 11; plus strand). Cytogenetic location: 7p15.3.
Variant type: single nucleotide variant.
Coding change: c.10027-2A>G on transcript NM_001277115.2 (MANE Select); the canonical splice acceptor site of the intron before coding-DNA position 10027, A replaced by G.
Molecular consequence: splice acceptor variant.
Genome position (GRCh38, 1-based): chr7:21,801,135, A>G. VCF-style: chr7-21801135-A-G. GRCh37 (hg19) VCF-style: chr7-21840753-A-G.
Identifiers: ClinVar variation 1490837 (VCV001490837.6), dbSNP rs868294039, ClinGen allele CA155108643.

ClinVar aggregate classification (germline): Likely pathogenic (1 of 4 stars; one submission).

Conditions:
Primary ciliary dyskinesia. Also called: Ciliary dyskinesia. Identifiers: Orphanet 244, MedGen C0008780, MONDO:0016575, HP:0012265.

Allele frequency attached by ClinVar (database versions not stated): gnomAD exomes below 0.00001.
gnomAD v4.1: 3 of 1,604,772 alleles (0.00019%); highest among the groups gnomAD compares: Admixed American, 0.0017%; no homozygotes.

Submission:

Labcorp Genetics (formerly Invitae), Labcorp
Classification: Likely pathogenic for Primary ciliary dyskinesia. Last evaluated: 2024-03-06. Review status: criteria provided, single submitter. Criteria: Invitae Variant Classification Sherloc (09022015). Collection method: clinical testing. Allele origin: germline.
Comment: This sequence change affects an acceptor splice site in intron 61 of the DNAH11 gene. It is expected to disrupt RNA splicing. Variants that disrupt the donor or acceptor splice site typically lead to a loss of protein function (PMID: 16199547), and loss-of-function variants in DNAH11 are known to be pathogenic (PMID: 18022865, 20513915, 22184204). This variant is not present in population databases (gnomAD no frequency). This variant has not been reported in the literature in individuals affected with DNAH11-related conditions. ClinVar contains an entry for this variant (Variation ID: 1490837). Algorithms developed to predict the effect of sequence changes on RNA splicing suggest that this variant may disrupt the consensus splice site. In summary, the currently available evidence indicates that the variant is pathogenic, but additional data are needed to prove that conclusively. Therefore, this variant has been classified as Likely Pathogenic.

Literature cited by the submitters: PubMed 16199547; PubMed 18022865; PubMed 20513915; PubMed 22184204.